The following is an entry in ClinVar:

ClinVar aggregate classification (germline): Pathogenic. Review status: reviewed by expert panel (3 of 4 stars). 7 submissions from 7 submitters: Pathogenic (1). 6 of the submissions do not count toward it. Last evaluated 2016-10-18.

Conditions:
Hereditary cancer-predisposing syndrome. Also called: Hereditary Cancer Syndrome; Neoplastic Syndromes, Hereditary; Hereditary neoplastic syndrome; Tumor predisposition. Identifiers: Orphanet 140162, MedGen C0027672, MeSH D009386, MONDO:0015356.
Hereditary breast ovarian cancer syndrome. Also called: Hereditary breast and ovarian cancer syndrome (HBOC); Breast and ovarian cancer; Hereditary breast and ovarian cancer syndrome; Hereditary breast and ovarian cancer; BRCA1- and BRCA2-Associated Hereditary Breast and Ovarian Cancer; Hereditary breast and/or ovarian cancer syndrome. Identifiers: Orphanet 145, MedGen C0677776, MeSH D061325, MONDO:0003582. Disease mechanism: loss of function.
Breast-ovarian cancer, familial, susceptibility to, 1 (BROVCA1). Also called: BRCA1 Hereditary Breast and Ovarian Cancer; OVARIAN CANCER, SUSCEPTIBILITY TO. Identifiers: Orphanet 145, MedGen C2676676, MONDO:0011450, OMIM 604370. Disease mechanism: loss of function.

Submissions (7):

Evidence-based Network for the Interpretation of Germline Mutant Alleles (ENIGMA)
Classification: Pathogenic for Breast-ovarian cancer, familial, susceptibility to, 1. Last evaluated: 2016-10-18. Review status: reviewed by expert panel. Criteria: ENIGMA BRCA1/2 Classification Criteria (2015). Collection method: curation. Allele origin: germline.
Comment: Variant allele predicted to encode a truncated non-functional protein.

Labcorp Genetics (formerly Invitae), Labcorp
Classification: Pathogenic for Hereditary breast ovarian cancer syndrome. Last evaluated: 2023-07-16. Review status: criteria provided, single submitter. Criteria: Invitae Variant Classification Sherloc (09022015). Collection method: clinical testing. Allele origin: germline. Not counted in ClinVar's aggregate classification.
Comment: This sequence change creates a premature translational stop signal (p.Cys1768Alafs*25) in the BRCA1 gene. It is expected to result in an absent or disrupted protein product. Loss-of-function variants in BRCA1 are known to be pathogenic (PMID: 20104584). This variant is not present in population databases (gnomAD no frequency). This variant has not been reported in the literature in individuals affected with BRCA1-related conditions. ClinVar contains an entry for this variant (Variation ID: 266545). For these reasons, this variant has been classified as Pathogenic.

Baylor Genetics
Classification: Likely pathogenic for Breast-ovarian cancer, familial, susceptibility to, 1. Last evaluated: 2023-02-20. Review status: criteria provided, single submitter. Criteria: ACMG Guidelines, 2015. Collection method: clinical testing. Allele origin: unknown. Not counted in ClinVar's aggregate classification.

GeneDx
Classification: Pathogenic. Last evaluated: 2017-07-25. Review status: criteria provided, single submitter. Criteria: GeneDx Variant Classification (06012015). Collection method: clinical testing. Allele origin: germline. Affected: yes. Not counted in ClinVar's aggregate classification.
Comment: This deletion of one nucleotide in BRCA1 is denoted c.5302delT at the cDNA level and p.Cys1768AlafsX25 (C1768AfsX25) at the protein level. Using alternate nomenclature, this variant would be defined as BRCA1 5421delT. The normal sequence, with the base that is deleted in brackets, is CTGT[delT]GCTA. The deletion causes a frameshift which changes a Cysteine to an Alanine at codon 1768, and creates a premature stop codon at position 25 of the new reading frame. Although this variant has not, to our knowledge, been reported in the literature, it is predicted to cause loss of normal protein function through either protein truncation or nonsense-mediated mRNA decay. We consider this variant to be pathogenic.

Ambry Genetics
Classification: Pathogenic for Hereditary cancer-predisposing syndrome. Last evaluated: 2016-12-09. Review status: criteria provided, single submitter. Criteria: Ambry Variant Classification Scheme 2023. Collection method: clinical testing. Allele origin: germline. Not counted in ClinVar's aggregate classification.
Comment: The c.5302delT pathogenic mutation, located in coding exon 19 of the BRCA1 gene, results from a deletion of one nucleotide at nucleotide position 5302, causing a translational frameshift with a predicted alternate stop codon (p.C1768Afs*25). This alteration is expected to result in loss of function by premature protein truncation or nonsense-mediated mRNA decay. As such, this alteration is interpreted as a disease-causing mutation.

Consortium of Investigators of Modifiers of BRCA1/2 (CIMBA), c/o University of Cambridge
Classification: Pathogenic for Breast-ovarian cancer, familial, susceptibility to, 1. Last evaluated: 2015-10-02. Review status: criteria provided, single submitter. Criteria: CIMBA Mutation Classification guidelines May 2016. Collection method: clinical testing. Allele origin: germline. Not counted in ClinVar's aggregate classification.

KCCC/NGS Laboratory, Kuwait Cancer Control Center
Classification: Likely pathogenic for Breast-ovarian cancer, familial, susceptibility to, 1. Last evaluated: 2023-05-05. Review status: no assertion criteria provided. Collection method: clinical testing. Allele origin: germline. Affected: yes. Not counted in ClinVar's aggregate classification.

Literature cited by the submitters: PubMed 20104584 (cited by Labcorp Genetics (formerly Invitae), Labcorp and KCCC/NGS Laboratory, Kuwait Cancer Control Center).

NM_007294.4(BRCA1):c.5302del (p.Cys1768fs)

Gene: BRCA1 (BRCA1 DNA repair associated; minus strand). Cytogenetic location: 17q21.31.
Variant type: Deletion.
Coding change: c.5302del on transcript NM_007294.4 (MANE Select); coding-DNA position 5302, one base deleted (T; older notation c.5302delT).
Protein change: p.Cys1768fs; shifts the reading frame from cysteine 1768.
Molecular consequence: frameshift variant. On other transcripts: non-coding transcript variant (1).
Genome position (GRCh38, 1-based): chr17:43,051,093, A deleted on the plus strand (T on the coding strand, the reverse complement: BRCA1 is on the minus strand); the first of 2 consecutive A bases (chr17:43,051,093-43,051,094); deleting either gives the same sequence. VCF-style (leftmost placement, unchanged base first): chr17-43051092-CA-C. GRCh37 (hg19) VCF-style: chr17-41203109-CA-C.
Other names: 5421delT; c.5302delT (NM_007294.3); c.5088delT, p.Cys1697Alafs (NM_001407571.1, NM_001407894.1, NM_001407895.1 and 12 more transcripts); c.5367delT, p.Cys1790Alafs (NM_001407581.1, NM_001407582.1); c.5364delT, p.Cys1789Alafs (NM_001407583.1, NM_001407585.1, NM_001407587.1); c.5361delT, p.Cys1788Alafs (NM_001407590.1, NM_001407591.1); c.5301delT, p.Cys1768Alafs (NM_001407593.1, NM_001407594.1, NM_001407596.1 and 6 more transcripts); c.1662delT, p.Cys555Alafs (NM_001408507.1); and 78 more; short protein forms C1768fs, C1789fs, C1721fs, C664fs.
Identifiers: ClinVar variation 266545 (VCV000266545.15), dbSNP rs886040289, ClinGen allele CA10589598.